The following is an entry in ClinVar:

NM_000154.2(GALK1):c.442G>T (p.Ala148Ser)

Gene: GALK1 (galactokinase 1; minus strand). Cytogenetic location: 17q25.1.
Variant type: single nucleotide variant.
Coding change: c.442G>T on transcript NM_000154.2 (MANE Select); coding-DNA position 442, G replaced by T.
Protein change: p.Ala148Ser; replaces alanine 148 with serine.
Molecular consequence: missense variant.
Genome position (GRCh38, 1-based): chr17:75,763,353, C>A on the plus strand (G>T on the coding strand, the complement: GALK1 is on the minus strand). VCF-style: chr17-75763353-C-A. GRCh37 (hg19) VCF-style: chr17-73759434-C-A.
Other names: c.442G>T, p.Ala148Ser (NM_001381985.1); short protein forms A148S.
Identifiers: ClinVar variation 2037319 (VCV002037319.1), dbSNP rs140148059, ClinGen allele CA8770949.

ClinVar aggregate classification (germline): Uncertain significance (1 of 4 stars; one submission).

Conditions:
Deficiency of galactokinase. Also called: GALACTOSEMIA II; Galactokinase deficiency with cataracts. Identifiers: Orphanet 352, Orphanet 79237, MedGen C0268155, MONDO:0009255, OMIM 230200.

Allele frequency attached by ClinVar (database versions not stated): TOPMed 0.00022.
gnomAD v4.1: 63 of 1,613,798 alleles (0.0039%); highest among the groups gnomAD compares: Admixed American, 0.11%; no homozygotes.

Submission:

Labcorp Genetics (formerly Invitae), Labcorp
Classification: Uncertain significance for Deficiency of galactokinase. Last evaluated: 2021-08-26. Review status: criteria provided, single submitter. Criteria: Invitae Variant Classification Sherloc (09022015). Collection method: clinical testing. Allele origin: germline.
Comment: This sequence change replaces alanine with serine at codon 148 of the GALK1 protein (p.Ala148Ser). The alanine residue is highly conserved and there is a moderate physicochemical difference between alanine and serine. This variant is present in population databases (rs140148059, ExAC 0.2%). This variant has not been reported in the literature in individuals affected with GALK1-related conditions. Algorithms developed to predict the effect of missense changes on protein structure and function are either unavailable or do not agree on the potential impact of this missense change (SIFT: "Tolerated"; PolyPhen-2: "Probably Damaging"; Align-GVGD: "Class C0"). In summary, the available evidence is currently insufficient to determine the role of this variant in disease. Therefore, it has been classified as a Variant of Uncertain Significance.